The following is an entry in ClinVar:

NM_002292.4(LAMB2):c.1949C>A (p.Ala650Asp)

Gene: LAMB2 (laminin subunit beta 2; minus strand). Cytogenetic location: 3p21.31.
Variant type: single nucleotide variant.
Coding change: c.1949C>A on transcript NM_002292.4 (MANE Select); coding-DNA position 1949, C replaced by A.
Protein change: p.Ala650Asp; replaces alanine 650 with aspartic acid.
Molecular consequence: missense variant.
Genome position (GRCh38, 1-based): chr3:49,128,527, G>T on the plus strand (C>A on the coding strand, the complement: LAMB2 is on the minus strand). VCF-style: chr3-49128527-G-T. GRCh37 (hg19) VCF-style: chr3-49165960-G-T.
Other names: short protein forms A650D.
Identifiers: ClinVar variation 1472099 (VCV001472099.8), dbSNP rs777022967, ClinGen allele CA2394446.

ClinVar aggregate classification (germline): Uncertain significance. Review status: criteria provided, multiple submitters, no conflicts (2 of 4 stars). 2 submissions from 2 submitters: Uncertain significance (2). Last evaluated 2024-06-10.

Conditions:
Pierson syndrome. Also called: MICROCORIA-CONGENITAL NEPHROTIC SYNDROME. Identifiers: Orphanet 2670, MedGen C1836876, MONDO:0012184, OMIM 609049.
LAMB2-related infantile-onset nephrotic syndrome. Also called: NEPHROTIC SYNDROME, TYPE 5, WITHOUT OCULAR ABNORMALITIES; NEPHROTIC SYNDROME, TYPE 5, WITH OCULAR ABNORMALITIES; Nephrotic Syndrome, type 5. Identifiers: Orphanet 306507, MedGen C3280113, MONDO:0013621, OMIM 614199.

Allele frequency attached by ClinVar (database versions not stated): ExAC 0.00001; gnomAD 0.00001; gnomAD exomes 0.00001.
gnomAD v4.1: 12 of 1,614,088 alleles (0.00074%); highest among the groups gnomAD compares: Non-Finnish European, 0.001%; no homozygotes.

Submissions (2):

Fulgent Genetics
Classification: Uncertain significance for Pierson syndrome; LAMB2-related infantile-onset nephrotic syndrome. Last evaluated: 2024-06-10. Review status: criteria provided, single submitter. Criteria: ACMG Guidelines, 2015. Collection method: clinical testing. Allele origin: germline.

Labcorp Genetics (formerly Invitae), Labcorp
Classification: Uncertain significance for LAMB2-related infantile-onset nephrotic syndrome; Pierson syndrome. Last evaluated: 2021-10-08. Review status: criteria provided, single submitter. Criteria: Invitae Variant Classification Sherloc (09022015). Collection method: clinical testing. Allele origin: germline.
Comment: Algorithms developed to predict the effect of missense changes on protein structure and function (SIFT, PolyPhen-2, Align-GVGD) all suggest that this variant is likely to be tolerated. This variant has not been reported in the literature in individuals affected with LAMB2-related conditions. This variant is present in population databases (rs777022967, ExAC 0.002%). This sequence change replaces alanine with aspartic acid at codon 650 of the LAMB2 protein (p.Ala650Asp). The alanine residue is moderately conserved and there is a moderate physicochemical difference between alanine and aspartic acid. In summary, the available evidence is currently insufficient to determine the role of this variant in disease. Therefore, it has been classified as a Variant of Uncertain Significance.